The following is an entry in ClinVar:

ClinVar aggregate classification (germline): Uncertain significance (1 of 4 stars; one submission).

Conditions:
Spermatogenic failure 18. Identifiers: MedGen C4539783, MONDO:0054615, OMIM 617576.
Ciliary dyskinesia, primary, 37 (CILD37). Also called: CILIARY DYSKINESIA, PRIMARY, 37, WITH OR WITHOUT SITUS INVERSUS. Identifiers: MedGen C4539798, MONDO:0033204, OMIM 617577.

Allele frequency attached by ClinVar (database versions not stated): gnomAD exomes 0.00001 and 0.00002.

Submission:

Labcorp Genetics (formerly Invitae), Labcorp
Classification: Uncertain significance for Ciliary dyskinesia, primary, 37; Spermatogenic failure 18. Last evaluated: 2022-06-13. Review status: criteria provided, single submitter. Criteria: Invitae Variant Classification Sherloc (09022015). Collection method: clinical testing. Allele origin: germline.
Comment: In summary, the available evidence is currently insufficient to determine the role of this variant in disease. Therefore, it has been classified as a Variant of Uncertain Significance. Algorithms developed to predict the effect of missense changes on protein structure and function (SIFT, PolyPhen-2, Align-GVGD) all suggest that this variant is likely to be tolerated. This variant has not been reported in the literature in individuals affected with DNAH1-related conditions. This variant is present in population databases (no rsID available, gnomAD 0.003%). This sequence change replaces glutamine, which is neutral and polar, with arginine, which is basic and polar, at codon 350 of the DNAH1 protein (p.Gln350Arg).

NM_015512.5(DNAH1):c.1049A>G (p.Gln350Arg)

Gene: DNAH1 (dynein axonemal heavy chain 1; plus strand). Cytogenetic location: 3p21.1.
Variant type: single nucleotide variant.
Coding change: c.1049A>G on transcript NM_015512.5 (MANE Select); coding-DNA position 1049, A replaced by G.
Protein change: p.Gln350Arg; replaces glutamine 350 with arginine.
Molecular consequence: missense variant.
Genome position (GRCh38, 1-based): chr3:52,332,157, A>G. VCF-style: chr3-52332157-A-G. GRCh37 (hg19) VCF-style: chr3-52366173-A-G.
Other names: short protein forms Q350R.
Identifiers: ClinVar variation 1465506 (VCV001465506.6), dbSNP rs1429583662, ClinGen allele CA353080142.